The following is an entry in ClinVar:

NM_032520.5(GNPTG):c.823+5G>C

Gene: GNPTG (N-acetylglucosamine-1-phosphate transferase subunit gamma; plus strand). Cytogenetic location: 16p13.3.
Variant type: single nucleotide variant.
Coding change: c.823+5G>C on transcript NM_032520.5 (MANE Select); 5 bases into the intron after coding-DNA position 823, G replaced by C.
Molecular consequence: intron variant.
Genome position (GRCh38, 1-based): chr16:1,362,911, G>C. VCF-style: chr16-1362911-G-C. GRCh37 (hg19) VCF-style: chr16-1412912-G-C.
Identifiers: ClinVar variation 1002539 (VCV001002539.4), dbSNP rs370849658, ClinGen allele CA7807964.
Genomic context (GRCh38, chr16:1,362,911, plus strand): 5'-CAAAAGGCTGAAAGGTTTGCTCACCCAGCACGGCATCCCCTACACGAGGCCCACAGGTGA[G>C]TCACCTGTGGGGAGAGGGCCAGGCTCACCATCACACTCGCCACCTGTGGGTCCAGGTGAG-3'

ClinVar aggregate classification (germline): Uncertain significance (1 of 4 stars; one submission).

Allele frequency attached by ClinVar (database versions not stated): gnomAD exomes below 0.00001 and 0.00001; TOPMed 0.00001; ExAC 0.00002; gnomAD 0.00002; ESP Exome Variant Server 0.00008.
gnomAD v4.1: 6 of 1,612,728 alleles (0.00037%); highest among the groups gnomAD compares: African/African-American, 0.004%; no homozygotes.

Submission:

Labcorp Genetics (formerly Invitae), Labcorp
Classification: Uncertain significance. Last evaluated: 2020-10-30. Review status: criteria provided, single submitter. Criteria: Invitae Variant Classification Sherloc (09022015). Collection method: clinical testing. Allele origin: germline.
Comment: This sequence change falls in intron 10 of the GNPTG gene. It does not directly change the encoded amino acid sequence of the GNPTG protein, but it affects a nucleotide within the consensus splice site of the intron. This variant is present in population databases (rs370849658, ExAC 0.01%). This variant has not been reported in the literature in individuals with GNPTG-related conditions. Nucleotide substitutions within the consensus splice site are a relatively common cause of aberrant splicing (PMID: 17576681, 9536098). Algorithms developed to predict the effect of sequence changes on RNA splicing suggest that this variant may disrupt the consensus splice site, but this prediction has not been confirmed by published transcriptional studies. In summary, the available evidence is currently insufficient to determine the role of this variant in disease. Therefore, it has been classified as a Variant of Uncertain Significance.

Literature cited by the submitters: PubMed 17576681; PubMed 9536098.